The following is an entry in ClinVar:

ClinVar aggregate classification (germline): Uncertain significance (1 of 4 stars; one submission).

Conditions:
Hereditary sensory neuropathy-deafness-dementia syndrome. Also called: Hereditary sensory neuropathy type IE; NEUROPATHY, HEREDITARY SENSORY, WITH HEARING LOSS AND DEMENTIA; Hereditary Sensory and Autonomic Neuropathy Type 1E (HSAN1E); HSN IE. Identifiers: Orphanet 456318, MedGen C3279885, MONDO:0013584, OMIM 614116.

Allele frequency attached by ClinVar (database versions not stated): gnomAD exomes below 0.00001.
gnomAD v4.1: 7 of 1,613,696 alleles (0.00043%); highest among the groups gnomAD compares: African/African-American, 0.0013%; no homozygotes.

Submission:

Labcorp Genetics (formerly Invitae), Labcorp
Classification: Uncertain significance for Hereditary sensory neuropathy-deafness-dementia syndrome. Last evaluated: 2025-02-02. Review status: criteria provided, single submitter. Criteria: Invitae Variant Classification Sherloc (09022015). Collection method: clinical testing. Allele origin: germline.
Comment: This sequence change falls in intron 32 of the DNMT1 gene. It does not directly change the encoded amino acid sequence of the DNMT1 protein. It affects a nucleotide within the consensus splice site. This variant is present in population databases (no rsID available, gnomAD 0.0009%). This variant has not been reported in the literature in individuals affected with DNMT1-related conditions. ClinVar contains an entry for this variant (Variation ID: 2712497). Variants that disrupt the consensus splice site are a relatively common cause of aberrant splicing (PMID: 17576681, 9536098). Algorithms developed to predict the effect of sequence changes on RNA splicing suggest that this variant is not likely to affect RNA splicing. In summary, the available evidence is currently insufficient to determine the role of this variant in disease. Therefore, it has been classified as a Variant of Uncertain Significance.

Literature cited by the submitters: PubMed 17576681; PubMed 9536098.

NM_001130823.3(DNMT1):c.3524-3C>T

Gene: DNMT1 (DNA methyltransferase 1; minus strand). Cytogenetic location: 19p13.2.
Variant type: single nucleotide variant.
Coding change: c.3524-3C>T on transcript NM_001130823.3 (MANE Select); 3 bases into the intron before coding-DNA position 3524, C replaced by T.
Molecular consequence: intron variant.
Genome position (GRCh38, 1-based): chr19:10,140,331, G>A on the plus strand (C>T on the coding strand, the complement: DNMT1 is on the minus strand). VCF-style: chr19-10140331-G-A. GRCh37 (hg19) VCF-style: chr19-10251007-G-A.
Other names: c.3161-3C>T (NM_001318731.2); c.3476-3C>T (NM_001379.4, NM_001318730.2).
Identifiers: ClinVar variation 2712497 (VCV002712497.3), dbSNP rs980449474, ClinGen allele CA305220851.